The following is an entry in ClinVar:

ClinVar aggregate classification (germline): Uncertain significance (1 of 4 stars; one submission).

Submission:

GeneDx
Classification: Uncertain significance. Last evaluated: 2026-02-06. Review status: criteria provided, single submitter. Criteria: GeneDx Variant Classification Process June 2021. Collection method: clinical testing. Allele origin: germline.
Comment: Not observed at significant frequency in large population cohorts (gnomAD); In silico analysis supports that this missense variant has a deleterious effect on protein structure/function; Has not been previously published as pathogenic or benign to our knowledge

NM_001967.4(EIF4A2):c.826G>C (p.Ala276Pro)

Gene: EIF4A2 (eukaryotic translation initiation factor 4A2; plus strand). Cytogenetic location: 3q27.3.
Variant type: single nucleotide variant.
Coding change: c.826G>C on transcript NM_001967.4 (MANE Select); coding-DNA position 826, G replaced by C.
Protein change: p.Ala276Pro; replaces alanine 276 with proline.
Molecular consequence: missense variant.
Genome position (GRCh38, 1-based): chr3:186,787,181, G>C. VCF-style: chr3-186787181-G-C. GRCh37 (hg19) VCF-style: chr3-186504970-G-C.
Other names: short protein forms A276P.
Identifiers: ClinVar variation 4976204 (VCV004976204.1).